The following is an entry in ClinVar:

ClinVar aggregate classification (germline): Uncertain significance (1 of 4 stars; one submission).

gnomAD v4.1: 2 of 1,587,538 alleles (0.00013%); highest among the groups gnomAD compares: Admixed American, 0.0036%; no homozygotes.

Submission:

Labcorp Genetics (formerly Invitae), Labcorp
Classification: Uncertain significance. Last evaluated: 2023-08-24. Review status: criteria provided, single submitter. Criteria: Invitae Variant Classification Sherloc (09022015). Collection method: clinical testing. Allele origin: germline.
Comment: This sequence change replaces glycine, which is neutral and non-polar, with arginine, which is basic and polar, at codon 37 of the WDR73 protein (p.Gly37Arg). This variant also falls at the last nucleotide of exon 2, which is part of the consensus splice site for this exon. The frequency data for this variant in the population databases is considered unreliable, as metrics indicate poor data quality at this position in the gnomAD database. This variant has not been reported in the literature in individuals affected with WDR73-related conditions. ClinVar contains an entry for this variant (Variation ID: 2022612). An algorithm developed to predict the effect of missense changes on protein structure and function (PolyPhen-2) suggests that this variant is likely to be disruptive. Variants that disrupt the consensus splice site are a relatively common cause of aberrant splicing (PMID: 17576681, 9536098). Algorithms developed to predict the effect of sequence changes on RNA splicing suggest that this variant may disrupt the consensus splice site. In summary, the available evidence is currently insufficient to determine the role of this variant in disease. Therefore, it has been classified as a Variant of Uncertain Significance.

Literature cited by the submitters: PubMed 17576681; PubMed 9536098.

NM_032856.5(WDR73):c.109G>A (p.Gly37Arg)

Gene: WDR73 (WD repeat domain 73; minus strand). Cytogenetic location: 15q25.2.
Variant type: single nucleotide variant.
Coding change: c.109G>A on transcript NM_032856.5 (MANE Select); coding-DNA position 109, G replaced by A.
Protein change: p.Gly37Arg; replaces glycine 37 with arginine.
Molecular consequence: missense variant. On other transcripts: non-coding transcript variant (4).
Genome position (GRCh38, 1-based): chr15:84,653,632, C>T on the plus strand (G>A on the coding strand, the complement: WDR73 is on the minus strand). VCF-style: chr15-84653632-C-T. GRCh37 (hg19) VCF-style: chr15-85196863-C-T.
Other names: short protein forms G37R.
Identifiers: ClinVar variation 2022612 (VCV002022612.4), dbSNP rs761771071, ClinGen allele CA393332360.